The following is an entry in ClinVar:

NM_000302.4(PLOD1):c.2075C>T (p.Pro692Leu)

Gene: PLOD1 (procollagen-lysine,2-oxoglutarate 5-dioxygenase 1; plus strand). Cytogenetic location: 1p36.22.
Variant type: single nucleotide variant.
Coding change: c.2075C>T on transcript NM_000302.4 (MANE Select); coding-DNA position 2075, C replaced by T.
Protein change: p.Pro692Leu; replaces proline 692 with leucine.
Molecular consequence: missense variant.
Genome position (GRCh38, 1-based): chr1:11,974,699, C>T. VCF-style: chr1-11974699-C-T. GRCh37 (hg19) VCF-style: chr1-12034756-C-T.
Other names: c.2216C>T, p.Pro739Leu (NM_001316320.2); short protein forms P692L, P739L.
Identifiers: ClinVar variation 242449 (VCV000242449.21), dbSNP rs557317492, ClinGen allele CA085485.

ClinVar aggregate classification (germline): Conflicting classifications of pathogenicity. Review status: criteria provided, conflicting classifications (1 of 4 stars). 4 submissions from 4 submitters: Uncertain significance (1); Likely benign (3). Last evaluated 2026-02-02.

Conditions:
Familial thoracic aortic aneurysm and aortic dissection (TAAD). Also called: Thoracic aortic aneurysms and dissections. Identifiers: Orphanet 91387, MedGen C4707243, MONDO:0019625.
Ehlers-Danlos syndrome, kyphoscoliotic type 1 (EDSKSCL1). Also called: PLOD1-Related Kyphoscoliotic Ehlers-Danlos Syndrome; Ehlers-Danlos syndrome, hydroxylysine-deficient; EHLERS-DANLOS SYNDROME, OCULAR-SCOLIOTIC TYPE; EHLERS-DANLOS SYNDROME, TYPE VIA. Identifiers: Orphanet 1900, MedGen C0268342, MONDO:0016002, OMIM 225400. Disease mechanism: loss of function.

Allele frequency attached by ClinVar (database versions not stated): gnomAD 0.00003 and 0.00022; TOPMed 0.00005; gnomAD exomes 0.00045; ExAC 0.00053; 1000 Genomes Project 30x 0.00094; 1000 Genomes Project 0.00100.
gnomAD v4.1: 430 of 1,613,948 alleles (0.027%); highest among the groups gnomAD compares: South Asian, 0.42%; 9 homozygotes.

Submissions (4):

Labcorp Genetics (formerly Invitae), Labcorp
Classification: Likely benign for Ehlers-Danlos syndrome, kyphoscoliotic type 1. Last evaluated: 2026-02-02. Review status: criteria provided, single submitter. Criteria: Invitae Variant Classification Sherloc (09022015). Collection method: clinical testing. Allele origin: germline.

Women's Health and Genetics/Laboratory Corporation of America, LabCorp
Classification: Uncertain significance. Last evaluated: 2023-07-21. Review status: criteria provided, single submitter. Criteria: LabCorp Variant Classification Summary - May 2015. Collection method: clinical testing. Allele origin: germline.

Ambry Genetics
Classification: Likely benign for Familial thoracic aortic aneurysm and aortic dissection. Last evaluated: 2018-04-17. Review status: criteria provided, single submitter. Criteria: Ambry Variant Classification Scheme 2023. Collection method: clinical testing. Allele origin: germline.

Illumina Laboratory Services, Illumina
Classification: Likely benign for Ehlers-Danlos syndrome, kyphoscoliotic type 1. Last evaluated: 2018-01-12. Review status: criteria provided, single submitter. Criteria: ICSL Variant Classification Criteria 13 December 2019. Collection method: clinical testing. Allele origin: germline.
Comment: This variant was observed in the ICSL laboratory as part of a predisposition screen in an ostensibly healthy population. It had not been previously curated by ICSL or reported in the Human Gene Mutation Database (HGMD: prior to June 1st, 2018), and was therefore a candidate for classification through an automated scoring system. Utilizing variant allele frequency, disease prevalence and penetrance estimates, and inheritance mode, an automated score was calculated to assess if this variant is too frequent to cause the disease. Based on the score and internal cut-off values, a variant classified as likely benign is not then subjected to further curation. The score for this variant resulted in a classification of likely benign for this disease.